The following is an entry in ClinVar:

ClinVar aggregate classification (germline): Likely benign (1 of 4 stars; one submission).

gnomAD v4.1: 68 of 1,614,116 alleles (0.0042%); highest among the groups gnomAD compares: Middle Eastern, 1%; 3 homozygotes.

Submission:

Mayo Clinic Laboratories, Mayo Clinic
Classification: Likely benign. Last evaluated: 2025-07-24. Review status: criteria provided, single submitter. Criteria: ACMG Guidelines, 2015. Collection method: clinical testing. Allele origin: germline. Observed: 1 variant allele.
Comment: BP4, BP7, PM2_supporting

NM_000298.6(PKLR):c.1270-10G>T

Gene: PKLR (pyruvate kinase L/R; minus strand). Cytogenetic location: 1q22.
Variant type: single nucleotide variant.
Coding change: c.1270-10G>T on transcript NM_000298.6 (MANE Select); 10 bases into the intron before coding-DNA position 1270, G replaced by T.
Molecular consequence: intron variant.
Genome position (GRCh38, 1-based): chr1:155,293,353, C>A on the plus strand (G>T on the coding strand, the complement: PKLR is on the minus strand). VCF-style: chr1-155293353-C-A. GRCh37 (hg19) VCF-style: chr1-155263144-C-A.
Other names: p.?; c.1177-10G>T (NM_181871.4).
Identifiers: ClinVar variation 4683494 (VCV004683494.1).